The following is an entry in ClinVar:

NM_018979.4(WNK1):c.2970C>A (p.Tyr990Ter)

Gene: WNK1 (WNK lysine deficient protein kinase 1; plus strand). Cytogenetic location: 12p13.33.
Variant type: single nucleotide variant.
Coding change: c.2970C>A on transcript NM_018979.4 (MANE Select); coding-DNA position 2970, C replaced by A.
Protein change: p.Tyr990Ter; replaces tyrosine 990 with a stop codon.
Molecular consequence: nonsense. On other transcripts: intron variant (2).
Genome position (GRCh38, 1-based): chr12:880,858, C>A. VCF-style: chr12-880858-C-A. GRCh37 (hg19) VCF-style: chr12-990024-C-A.
Other names: c.3750C>A, p.Tyr1250Ter (NM_001184985.2); c.3868-834C>A (NM_213655.5); c.2371-834C>A (NM_014823.3); short protein forms Y1250*, Y990*.
Identifiers: ClinVar variation 1723012 (VCV001723012.2), dbSNP rs2548972815, ClinGen allele CA383327076.

ClinVar aggregate classification (germline): Uncertain significance (1 of 4 stars; one submission).

Submission:

GeneDx
Classification: Uncertain significance. Last evaluated: 2022-04-12. Review status: criteria provided, single submitter. Criteria: GeneDx Variant Classification Process June 2021. Collection method: clinical testing. Allele origin: germline. Affected: yes.
Comment: Nonsense variant predicted to result in protein truncation or nonsense mediated decay in a gene or region of a gene for which loss of function is not a well-established mechanism of disease; Not observed at significant frequency in large population cohorts (gnomAD); Has not been previously published as pathogenic or benign to our knowledge; Note that the p.(Y990*) variant is present in an alternate transcript of the WNK1 gene (NM_018979.3), and is not present in the coding portion of the primary transcript (NM_213655.4).